The following is an entry in ClinVar:

ClinVar aggregate classification (germline): Pathogenic (0 of 4 stars; one submission).

Conditions:
Autosomal recessive nonsyndromic hearing loss 48. Also called: Deafness, autosomal recessive 48; Usher Syndrome Type 1J. Identifiers: Orphanet 231169, Orphanet 886, Orphanet 90636, MedGen C1836199, MONDO:0012273, OMIM 609439.

Submission:

Payam Genetics Center, General Welfare Department of North Khorasan Province
Classification: Pathogenic. Last evaluated: 2023-02-01. Review status: no assertion criteria provided. Collection method: clinical testing. Allele origin: germline. Affected: yes. Observed: 1 variant allele.
Comment: This sequence change create four nucleotides deletion frameshift (p.D159 fs) in the CIB2 gene. It is expected to result in an non-functional or disrupted protein product. Loss-of-function variants in CIB2 are known to be pathogenic (PMID:23023331). This variant is not present in population databases (gnomAD no frequency) and Iranian population genom( Iranom). This variant has not been reported in the literature in individuals affected with CIB2-related conditions. For these reasons, this variant has been classified as Pathogenic.

Literature cited by the submitters: PubMed 23023331.

NM_006383.4(CIB2):c.476_479del (p.Asp159fs)

Gene: CIB2 (calcium and integrin binding family member 2; minus strand). Cytogenetic location: 15q25.1.
Variant type: Deletion.
Coding change: c.476_479del on transcript NM_006383.4 (MANE Select); coding-DNA positions 476 to 479, 4 bases deleted (ACGG; older notation c.476_479delACGG).
Protein change: p.Asp159fs; shifts the reading frame from aspartic acid 159.
Molecular consequence: frameshift variant. On other transcripts: non-coding transcript variant (1).
Genome position (GRCh38, 1-based): chr15:78,105,802-78,105,805, CCGT deleted on the plus strand (ACGG on the coding strand, the reverse complement: CIB2 is on the minus strand); deleting any 4 consecutive bases within chr15:78,105,802-78,105,807 gives the same sequence; the c. name uses the placement nearest the transcript's 3' end. VCF-style (leftmost placement, unchanged base first): chr15-78105801-ACCGT-A. GRCh37 (hg19) VCF-style: chr15-78398143-ACCGT-A.
Other names: c.347_350del, p.Asp116fs (NM_001271888.2); c.329_332del, p.Asp110fs (NM_001271889.2); c.491_494del, p.Asp164fs (NM_001301224.2); short protein forms D110fs, D116fs, D159fs, D164fs.
Identifiers: ClinVar variation 2444489 (VCV002444489.2), dbSNP rs1567047642, ClinGen allele CA619416904.